The following is an entry in ClinVar:

NM_001036.6(RYR3):c.8400-5C>T

Gene: RYR3 (ryanodine receptor 3; plus strand). Cytogenetic location: 15q14.
Variant type: single nucleotide variant.
Coding change: c.8400-5C>T on transcript NM_001036.6 (MANE Select); 5 bases into the intron before coding-DNA position 8400, C replaced by T.
Molecular consequence: intron variant.
Genome position (GRCh38, 1-based): chr15:33,755,060, C>T. VCF-style: chr15-33755060-C-T. GRCh37 (hg19) VCF-style: chr15-34047261-C-T.
Other names: c.8400-5C>T (NM_001243996.4).
Identifiers: ClinVar variation 461966 (VCV000461966.13), dbSNP rs74437672, ClinGen allele CA7460207.
Genomic context (GRCh38, chr15:33,755,060, plus strand): 5'-GGTGGTGCACCTGAGTGACATGGTTGTCTCTGTTACTTCCTGGGGTCTGTCCATGTCCAA[C>T]GTAGGGGTATGAAGGATATGGAGCTGGATGCCTCCTCCATGGAGAAGAGGTTTGCCTATA-3'

ClinVar aggregate classification (germline): Benign. Review status: criteria provided, single submitter (1 of 4 stars). 2 submissions from 2 submitters: Benign (1). 1 of the submissions does not count toward it. Last evaluated 2025-10-03.

Conditions:
RYR3-related disorder. Also called: RYR3-related condition.
Epileptic encephalopathy. Identifiers: MedGen C0543888, HP:0200134.

Allele frequency attached by ClinVar (database versions not stated): ESP Exome Variant Server 0.00016; gnomAD exomes 0.00231 and 0.00788; gnomAD 0.00285 and 0.00367; TOPMed 0.00445; ExAC 0.00886; 1000 Genomes Project 30x 0.01655; 1000 Genomes Project 0.01877.
gnomAD v4.1: 4,172 of 1,576,086 alleles (0.26%); highest among the groups gnomAD compares: East Asian, 7.1%; 145 homozygotes.

Submissions (2):

Labcorp Genetics (formerly Invitae), Labcorp
Classification: Benign for Epileptic encephalopathy. Last evaluated: 2025-10-03. Review status: criteria provided, single submitter. Criteria: Invitae Variant Classification Sherloc (09022015). Collection method: clinical testing. Allele origin: germline.

PreventionGenetics, part of Exact Sciences
Classification: Benign for RYR3-related condition. Last evaluated: 2019-06-26. Review status: no assertion criteria provided. Collection method: clinical testing. Allele origin: germline. Not counted in ClinVar's aggregate classification.
Comment: This variant is classified as benign based on ACMG/AMP sequence variant interpretation guidelines (Richards et al. 2015 PMID: 25741868, with internal and published modifications).